The following is an entry in ClinVar:

NM_203290.4(POLR1C):c.400G>T (p.Glu134Ter)

Gene: POLR1C (RNA polymerase I and III subunit C; plus strand). Cytogenetic location: 6p21.1.
Variant type: single nucleotide variant.
Coding change: c.400G>T on transcript NM_203290.4 (MANE Select); coding-DNA position 400, G replaced by T.
Protein change: p.Glu134Ter; replaces glutamic acid 134 with a stop codon.
Molecular consequence: nonsense.
Genome position (GRCh38, 1-based): chr6:43,520,083, G>T. VCF-style: chr6-43520083-G-T. GRCh37 (hg19) VCF-style: chr6-43487821-G-T.
Other names: c.400G>T, p.Glu134Ter (NM_001318876.2, NM_001363658.2); short protein forms E134*.
Identifiers: ClinVar variation 1200831 (VCV001200831.3), dbSNP rs1475285462, ClinGen allele CA364283361.

ClinVar aggregate classification (germline): Pathogenic (1 of 4 stars; one submission).

Allele frequency attached by ClinVar (database versions not stated): TOPMed below 0.00001; gnomAD 0.00001; gnomAD exomes 0.00001.
gnomAD v4.1: 12 of 1,614,106 alleles (0.00074%); highest among the groups gnomAD compares: Admixed American, 0.012%; no homozygotes.

Submission:

GeneDx
Classification: Pathogenic. Last evaluated: 2021-05-25. Review status: criteria provided, single submitter. Criteria: GeneDx Variant Classification Process June 2021. Collection method: clinical testing. Allele origin: germline. Affected: yes.
Comment: Nonsense variant predicted to result in protein truncation or nonsense mediated decay in a gene for which loss-of-function is a known mechanism of disease; Has not been previously published as pathogenic or benign to our knowledge